The following is an entry in ClinVar:

ClinVar aggregate classification (germline): Conflicting classifications of pathogenicity. Review status: criteria provided, conflicting classifications (1 of 4 stars). 14 submissions from 14 submitters: Pathogenic (1); Likely pathogenic (7); Uncertain significance (5). 1 of the submissions does not count toward it. Last evaluated 2026-01-12.

Conditions:
PROC-related disorder. Also called: PROC-related condition.
Thrombophilia 3 due to protein C deficiency.
Thrombophilia due to protein C deficiency, autosomal recessive. Also called: PROC DEFICIENCY, AUTOSOMAL RECESSIVE; PROTEIN C DEFICIENCY, AUTOSOMAL RECESSIVE. Identifiers: Orphanet 745, MedGen C2676759, MONDO:0012860, OMIM 612304.
Thrombophilia due to protein C deficiency, autosomal dominant. Also called: PROC DEFICIENCY, AUTOSOMAL DOMINANT; PROTEIN C DEFICIENCY, AUTOSOMAL DOMINANT. Identifiers: Orphanet 745, MedGen C2674321, MONDO:0008316, OMIM 176860. Disease mechanism: loss of function.
Reduced protein C activity. Identifiers: MedGen C0398625, MeSH D020151, HP:0005543.

Allele frequency attached by ClinVar (database versions not stated): ESP Exome Variant Server 0.00015; gnomAD exomes 0.00018 and 0.00075; gnomAD 0.00026 and 0.00046; TOPMed 0.00026; ExAC 0.00072; 1000 Genomes Project 30x 0.00312; 1000 Genomes Project 0.00399.
gnomAD v4.1: 374 of 1,614,004 alleles (0.023%); highest among the groups gnomAD compares: East Asian, 0.45%; 3 homozygotes.

Submissions 1 to 7 of 14:

PreventionGenetics, part of Exact Sciences
Classification: Likely pathogenic for PROC-related condition. Last evaluated: 2026-01-12. Review status: criteria provided, single submitter. Criteria: ACMG Guidelines, 2015. Collection method: clinical testing. Allele origin: germline.
Comment: The PROC c.565C>T variant is predicted to result in the amino acid substitution p.Arg189Trp. This variant was reported in many individuals with thrombophilia due to protein C deficiency (Reitsma et al. 1995. PubMed ID: 7482420; Kim et al. 2013. PubMed ID: 24162787; Cheng et al. 2016. PubMed ID: 27314862; Yang et al. 2017. PubMed ID: 28186585; Sirachainan et al. 2017. PubMed ID: 28511552; Li et al. 2018. PubMed ID: 30210609; Egami et al. 2021. PubMed ID: 34245770; Chen et al. 2023. PubMed ID: 37307703; Thewamit et al. 2023. PubMed ID: 37614902; Xu et al. 2023. PubMed ID: 37950050). This variant has been reported to be associated with lower protein C activity in the heterozygous state (19-64%), with markedly lower activity observed in homozygotes (9-12%) (Do et al. 2020. PubMed ID: 32964666). This variant has been reported in both cases and controls in multiple venous thrombosis studies; however, its presence was significantly enriched in affected individuals, with reported odds ratios ranging from 2.2 to 9.27 fir heterozygotes (Tsuda et al. 2020. PubMed ID: 33313468; Tang et al. 2013. PubMed ID: 23332921; Li et al. 2023. PubMed ID: 37789321; Sirachainan et al. 2017. PubMed ID: 28511552). One study noted that the presence of the variant alone in the heterozygous state in the absence of other genetic and environmental risk factors is less likely to result in a thrombotic event compared to the risk for individuals with at least one additional risk factor (Li et al. 2023. PubMed ID: 37789321). Presence of this variant in the homozygous state was associated with higher risk for thrombotic events, with odds ratios of 20.2 for thromboembolism, 21.4 for arterial ischemic stroke, and 43.3 for venous thromboembolism (Sirachainan et al. 2017. PubMed ID: 28511552). This variant is reported in 0.78% of alleles in individuals of East Asian descent in gnomAD. Taken together, this variant is interpreted as likely pathogenic.

Genesolutions, Medical Genetics Institutes, Ho Chi Minh City, Vietnam
Classification: Uncertain significance for Thrombophilia due to protein C deficiency, autosomal dominant. Last evaluated: 2025-09-24. Review status: criteria provided, single submitter. Criteria: ACMG Guidelines, 2015. Collection method: clinical testing. Allele origin: germline. Affected: yes.

Variantyx, Inc.
Classification: Likely pathogenic for Thrombophilia due to protein C deficiency, autosomal dominant. Last evaluated: 2025-09-18. Review status: criteria provided, single submitter. Criteria: Variantyx Assertion Criteria 2022. Collection method: clinical testing. Allele origin: germline. Inheritance: Autosomal dominant inheritance.
Comment: This is a nonsynonymous variant in the PROC gene (OMIM: 612283). Pathogenic variants in this gene have been associated with autosomal dominant thrombophilia due to protein C deficiency. Heterozygous carriers of pathogeinc variants in the PROC gene may have mild or asymptomatic protein C deficiency and may have an increased risk of venous thrombosis. The frequency of this variant in affected individuals is significantly increased compared to controls (PMID: 28511552, 23332921) (PS4). Computational algorithms produce conflicting evidence regarding the predicted functional impact of this variant (REVEL score: 0.585), but functional studies have shown that this variant alters PROC protein function (PMID: 23389250) (PS3_Moderate). This variant has a 0.4479% maximum allele frequency in non-founder control populations. Based on the current evidence, this variant is classified as likely pathogenic with reduced penetrance for autosomal dominant thrombophilia due to protein C deficiency.

Labcorp Genetics (formerly Invitae), Labcorp
Classification: Uncertain significance for Thrombophilia due to protein C deficiency, autosomal dominant. Last evaluated: 2025-01-20. Review status: criteria provided, single submitter. Criteria: Invitae Variant Classification Sherloc (09022015). Collection method: clinical testing. Allele origin: germline.
Comment: This sequence change replaces arginine, which is basic and polar, with tryptophan, which is neutral and slightly polar, at codon 189 of the PROC protein (p.Arg189Trp). This variant is present in population databases (rs146922325, gnomAD 0.7%), including at least one homozygous and/or hemizygous individual. This missense change has been observed in individual(s) with venous thromboembolism and PROC-deficiency (PMID: 7482420, 22545135, 22817391, 22944127, 23332921, 24028705, 24162787, 28111891, 32717757). ClinVar contains an entry for this variant (Variation ID: 161342). An algorithm developed to predict the effect of missense changes on protein structure and function (PolyPhen-2) suggests that this variant¬†is likely to be tolerated. Experimental studies have shown that this missense change affects PROC function (PMID: 23389250). In summary, the available evidence is currently insufficient to determine the role of this variant in disease. Therefore, it has been classified as a Variant of Uncertain Significance.

Blueprint Genetics
Classification: Pathogenic for PROC-related disorders. Last evaluated: 2024-11-19. Review status: criteria provided, single submitter. Criteria: ACMG Guidelines, 2015. Collection method: clinical testing. Allele origin: germline. Affected: yes. Observed: 5 variant alleles.

Dubai Health Genomic Medicine Center, Dubai Health
Classification: Likely pathogenic for Thrombophilia 3 due to protein C deficiency. Last evaluated: 2024-10-04. Review status: criteria provided, single submitter. Criteria: ACMG Guidelines, 2015. Collection method: research. Allele origin: germline. Affected: yes.
Comment: PS4,PS3,PM2,PP3

Illumina Laboratory Services, Illumina
Classification: Likely pathogenic for Thrombophilia due to protein C deficiency, autosomal dominant. Last evaluated: 2024-06-07. Review status: criteria provided, single submitter. Criteria: ICSLVariantClassificationCriteria RUGD 01 April 2020. Collection method: clinical testing. Allele origin: unknown.
Comment: The PROC c.565C>T p.(Arg189Trp) missense variant, also referred to as p.Arg147Trp, has been identified as a frequent genetic risk factor for hereditary protein C deficiency and venous thromboembolism in several Asian populations (PMID: 22545135; 23332921; 24233386; 32964666; 37950050). Multiple case-control studies have reported a significant association between the p.(Arg189Trp) variant and venous thrombosis (PMID: 22545135; 24233386; 37789321). A functional study conducted in human cell lines demonstrated that this variant impacts protein function (PMID: 23389250). The highest frequency of this allele in the Genome Aggregation Database is 0.004479 in the East Asian population (version 4.1.0). This frequency is high but is consistent with disease prevalence estimates and reduced penetrance. Based on the available evidence, the c.565C>T p.(Arg189Trp) variant is classified as likely pathogenic for hereditary thrombophilia due to congenital protein C deficiency.

NM_000312.4(PROC):c.565C>T (p.Arg189Trp)

Gene: PROC (protein C, inactivator of coagulation factors Va and VIIIa; plus strand). Cytogenetic location: 2q14.3.
Variant type: single nucleotide variant.
Coding change: c.565C>T on transcript NM_000312.4 (MANE Select); coding-DNA position 565, C replaced by T.
Protein change: p.Arg189Trp; replaces arginine 189 with tryptophan.
Molecular consequence: missense variant.
Genome position (GRCh38, 1-based): chr2:127,426,114, C>T. VCF-style: chr2-127426114-C-T. GRCh37 (hg19) VCF-style: chr2-128183690-C-T.
Other names: c.748C>T, p.Arg250Trp (NM_001375602.1); c.730C>T, p.Arg244Trp (NM_001375603.1); c.628C>T, p.Arg210Trp (NM_001375604.1); c.667C>T, p.Arg223Trp (NM_001375605.1); c.733C>T, p.Arg245Trp (NM_001375606.1); c.751C>T, p.Arg251Trp (NM_001375607.1); c.508C>T, p.Arg170Trp (NM_001375608.1); c.541C>T, p.Arg181Trp (NM_001375609.1); and 2 more; short protein forms R189W, R170W, R181W, R187W, R210W, R223W, R244W, R245W.
Identifiers: ClinVar variation 161342 (VCV000161342.34), dbSNP rs146922325, ClinGen allele CA211732.
Genomic context (GRCh38, chr2:127,426,114, plus strand): 5'-GCAGGCCCCTCACCACCTCTGCCTACCTCAGTGAAGTTCCCTTGTGGGAGGCCCTGGAAG[C>T]GGATGGAGAAGAAGCGCAGTCACCTGAAACGAGACACAGAAGACCAAGAAGACCAAGTAG-3'
Protein context (NP_000303.1, residues 179-199): VKFPCGRPWK[Arg189Trp]MEKKRSHLKR